The following is an entry in ClinVar:

NM_013432.5(TONSL):c.998C>T (p.Ala333Val)

Gene: TONSL (tonsoku like, DNA repair protein; minus strand). Cytogenetic location: 8q24.3.
Variant type: single nucleotide variant.
Coding change: c.998C>T on transcript NM_013432.5 (MANE Select); coding-DNA position 998, C replaced by T.
Protein change: p.Ala333Val; replaces alanine 333 with valine.
Molecular consequence: missense variant.
Genome position (GRCh38, 1-based): chr8:144,440,979, G>A on the plus strand (C>T on the coding strand, the complement: TONSL is on the minus strand). VCF-style: chr8-144440979-G-A. GRCh37 (hg19) VCF-style: chr8-145666362-G-A.
Other names: short protein forms A333V.
Identifiers: ClinVar variation 3631158 (VCV003631158.2).

ClinVar aggregate classification (germline): Uncertain significance (1 of 4 stars; one submission).

Submission:

Labcorp Genetics (formerly Invitae), Labcorp
Classification: Uncertain significance. Last evaluated: 2024-06-10. Review status: criteria provided, single submitter. Criteria: Invitae Variant Classification Sherloc (09022015). Collection method: clinical testing. Allele origin: germline.
Comment: This sequence change replaces alanine, which is neutral and non-polar, with valine, which is neutral and non-polar, at codon 333 of the TONSL protein (p.Ala333Val). This variant is not present in population databases (gnomAD no frequency). This variant has not been reported in the literature in individuals affected with TONSL-related conditions. Advanced modeling of protein sequence and biophysical properties (such as structural, functional, and spatial information, amino acid conservation, physicochemical variation, residue mobility, and thermodynamic stability) performed at Invitae indicates that this missense variant is expected to disrupt TONSL protein function with a positive predictive value of 80%. In summary, the available evidence is currently insufficient to determine the role of this variant in disease. Therefore, it has been classified as a Variant of Uncertain Significance.